The following is an entry in ClinVar:

ClinVar aggregate classification (germline): Uncertain significance (1 of 4 stars; one submission).

gnomAD v4.1: 1 of 1,551,184 alleles (0.000064%); highest among the groups gnomAD compares: Non-Finnish European, 0.000087%; no homozygotes.

Submission:

Labcorp Genetics (formerly Invitae), Labcorp
Classification: Uncertain significance. Last evaluated: 2024-08-14. Review status: criteria provided, single submitter. Criteria: Invitae Variant Classification Sherloc (09022015). Collection method: clinical testing. Allele origin: germline.
Comment: This sequence change replaces histidine, which is basic and polar, with asparagine, which is neutral and polar, at codon 20 of the DCHS1 protein (p.His20Asn). This variant is not present in population databases (gnomAD no frequency). This variant has not been reported in the literature in individuals affected with DCHS1-related conditions. Invitae Evidence Modeling of protein sequence and biophysical properties (such as structural, functional, and spatial information, amino acid conservation, physicochemical variation, residue mobility, and thermodynamic stability) indicates that this missense variant is not expected to disrupt DCHS1 protein function with a negative predictive value of 95%. In summary, the available evidence is currently insufficient to determine the role of this variant in disease. Therefore, it has been classified as a Variant of Uncertain Significance.

NM_003737.4(DCHS1):c.58C>A (p.His20Asn)

Gene: DCHS1 (dachsous cadherin-related 1; minus strand). Cytogenetic location: 11p15.4.
Variant type: single nucleotide variant.
Coding change: c.58C>A on transcript NM_003737.4 (MANE Select); coding-DNA position 58, C replaced by A.
Protein change: p.His20Asn; replaces histidine 20 with asparagine.
Molecular consequence: missense variant.
Genome position (GRCh38, 1-based): chr11:6,641,556, G>T on the plus strand (C>A on the coding strand, the complement: DCHS1 is on the minus strand). VCF-style: chr11-6641556-G-T. GRCh37 (hg19) VCF-style: chr11-6662787-G-T.
Other names: short protein forms H20N.
Identifiers: ClinVar variation 3634160 (VCV003634160.2).
Genomic context (GRCh38, chr11:6,641,556, plus strand): 5'-CACCTGGCACCCCAGCCCCCAGCAGCAGCAGCAGCAGCAGCAGCAATGGTAGCAGGAGGT[G>T]GGGCCTGGGGCTCTTCATGCCAGGGCAGGAAGGCACAATGCCCAGCTCCTTCTGCATGAC-3'
Protein context (NP_003728.1, residues 10-30): SCPGMKSPRP[His20Asn]LLLPLLLLLL